The following is an entry in ClinVar:

NM_001367624.2(ZNF469):c.8317G>A (p.Glu2773Lys)

Gene: ZNF469 (zinc finger protein 469; plus strand). Cytogenetic location: 16q24.2.
Variant type: single nucleotide variant.
Coding change: c.8317G>A on transcript NM_001367624.2 (MANE Select); coding-DNA position 8317, G replaced by A.
Protein change: p.Glu2773Lys; replaces glutamic acid 2773 with lysine.
Molecular consequence: missense variant.
Genome position (GRCh38, 1-based): chr16:88,435,787, G>A. VCF-style: chr16-88435787-G-A. GRCh37 (hg19) VCF-style: chr16-88502195-G-A.
Other names: NM_001127464.1:c.8233G>A; short protein forms E2773K.
Identifiers: ClinVar variation 1762564 (VCV001762564.6), dbSNP rs958364332, ClinGen allele CA286383867.

ClinVar aggregate classification (germline): Uncertain significance. Review status: criteria provided, multiple submitters, no conflicts (2 of 4 stars). 3 submissions from 3 submitters: Uncertain significance (3). Last evaluated 2025-07-01.

Conditions:
Cardiovascular phenotype. Identifiers: MedGen CN230736.

Allele frequency attached by ClinVar (database versions not stated): gnomAD exomes 0.00002; TOPMed 0.00002; gnomAD 0.00003.
gnomAD v4.1: 35 of 1,550,494 alleles (0.0023%); highest among the groups gnomAD compares: South Asian, 0.0059%; no homozygotes.

Submissions (3):

Women's Health and Genetics/Laboratory Corporation of America, LabCorp
Classification: Uncertain significance. Last evaluated: 2025-07-01. Review status: criteria provided, single submitter. Criteria: LabCorp Variant Classification Summary - May 2015. Collection method: clinical testing. Allele origin: germline.
Comment: Variant summary: ZNF469 c.8317G>A (p.Glu2773Lys) results in a conservative amino acid change in the encoded protein sequence. Algorithms developed to predict the effect of missense changes on protein structure and function all suggest that this variant is likely to be tolerated. The variant allele was found at a frequency of 3.2e-05 in 153910 control chromosomes. The available data on variant occurrences in the general population are insufficient to allow any conclusion about variant significance. To our knowledge, no occurrence of c.8317G>A in individuals affected with Brittle cornea syndrome 1 and no experimental evidence demonstrating its impact on protein function have been reported. ClinVar contains an entry for this variant (Variation ID: 1762564). Based on the evidence outlined above, the variant was classified as uncertain significance.

Ambry Genetics
Classification: Uncertain significance for Cardiovascular phenotype. Last evaluated: 2025-06-07. Review status: criteria provided, single submitter. Criteria: Ambry Variant Classification Scheme 2023. Collection method: clinical testing. Allele origin: germline.
Comment: The p.E2745K variant (also known as c.8233G>A), located in coding exon 2 of the ZNF469 gene, results from a G to A substitution at nucleotide position 8233. The glutamic acid at codon 2745 is replaced by lysine, an amino acid with similar properties. This amino acid position is conserved. In addition, this alteration is predicted to be tolerated by in silico analysis. Since supporting evidence is limited at this time, the clinical significance of this alteration remains unclear.

Labcorp Genetics (formerly Invitae), Labcorp
Classification: Uncertain significance. Last evaluated: 2022-08-02. Review status: criteria provided, single submitter. Criteria: Invitae Variant Classification Sherloc (09022015). Collection method: clinical testing. Allele origin: germline.
Comment: This sequence change replaces glutamic acid, which is acidic and polar, with lysine, which is basic and polar, at codon 2745 of the ZNF469 protein (p.Glu2745Lys). This variant is present in population databases (no rsID available, gnomAD 0.01%). This variant has not been reported in the literature in individuals affected with ZNF469-related conditions. Algorithms developed to predict the effect of missense changes on protein structure and function output the following: SIFT: "Tolerated"; PolyPhen-2: "Benign"; Align-GVGD: "Class C0". The lysine amino acid residue is found in multiple mammalian species, which suggests that this missense change does not adversely affect protein function. In summary, the available evidence is currently insufficient to determine the role of this variant in disease. Therefore, it has been classified as a Variant of Uncertain Significance.